The following is an entry in ClinVar:

Conditions:
Breast-ovarian cancer, familial, susceptibility to, 1 (BROVCA1). Also called: BRCA1 Hereditary Breast and Ovarian Cancer; OVARIAN CANCER, SUSCEPTIBILITY TO. Identifiers: Orphanet 145, MedGen C2676676, MONDO:0011450, OMIM 604370. Disease mechanism: loss of function.

Submission:

Brotman Baty Institute, University of Washington
No classification provided (evidence only). Condition: Breast-ovarian cancer, familial 1. Review status: no classification provided. Collection method: in vitro. Allele origin: not applicable. Functional consequence: functionally_normal.
ClinVar note: "not provided" was previously submitted as the classification for the variant. However, the classification appeared to be based only on an observation of functional data so it was converted to no classification on 2025-07-30.

NM_007294.4(BRCA1):c.138T>G (p.Phe46Leu)

Gene: BRCA1 (BRCA1 DNA repair associated; minus strand). Cytogenetic location: 17q21.31.
Variant type: single nucleotide variant.
Coding change: c.138T>G on transcript NM_007294.4 (MANE Select); coding-DNA position 138, T replaced by G.
Protein change: p.Phe46Leu; replaces phenylalanine 46 with leucine.
Molecular consequence: missense variant. On other transcripts: 5 prime UTR variant (1), non-coding transcript variant (1).
Genome position (GRCh38, 1-based): chr17:43,106,530, A>C on the plus strand (T>G on the coding strand, the complement: BRCA1 is on the minus strand). VCF-style: chr17-43106530-A-C. GRCh37 (hg19) VCF-style: chr17-41258547-A-C.
Other names: c.-51T>G (NM_001407571.1, NM_001407853.1, NM_001407879.1 and 58 more transcripts); c.138T>G, p.Phe46Leu (NM_001407581.1, NM_001407582.1, NM_001407583.1 and 168 more transcripts); c.-4T>G (NM_001407728.1, NM_001407729.1, NM_001407730.1 and 99 more transcripts); short protein forms F46L.
Identifiers: ClinVar variation 868216 (VCV000868216.3), dbSNP rs2054795825, ClinGen allele CA10601877.